The following is an entry in ClinVar:

NM_054027.6(ANKH):c.*712G>C

Genes: ANKH (ANKH inorganic pyrophosphate transport regulator; minus strand), OTULIN (OTU deubiquitinase with linear linkage specificity; plus strand). Cytogenetic location: 5p15.2.
Variant type: single nucleotide variant.
Coding change: c.*712G>C on transcript NM_054027.6 (MANE Select); 712 bases downstream of the stop codon, G replaced by C.
Molecular consequence: 3 prime UTR variant.
Genome position (GRCh38, 1-based): chr5:14,710,485, C>G on the plus strand (G>C on the coding strand, the complement: ANKH is on the minus strand). VCF-style: chr5-14710485-C-G. GRCh37 (hg19) VCF-style: chr5-14710594-C-G.
Identifiers: ClinVar variation 351483 (VCV000351483.5), dbSNP rs370243294, ClinGen allele CA10623190.

ClinVar aggregate classification (germline): Benign. Review status: criteria provided, single submitter (1 of 4 stars). 2 submissions from 1 submitter: Benign (2). Last evaluated 2018-01-13.

Conditions:
Craniometaphyseal dysplasia, autosomal dominant (CMDD). Identifiers: Orphanet 1522, MedGen C1852502, MONDO:0007397, OMIM 123000.
Chondrocalcinosis 2. Also called: CALCIUM GOUT; CALCIUM PYROPHOSPHATE ARTHROPATHY; Familial calcium pyrophosphate deposition. Identifiers: Orphanet 1416, MedGen C0856830, MONDO:0007319, OMIM 118600.

Allele frequency attached by ClinVar (database versions not stated): TOPMed 0.00010; gnomAD exomes 0.00085; 1000 Genomes Project 0.01118; 1000 Genomes Project 30x 0.01187.
gnomAD v4.1: 234 of 153,508 alleles (0.15%); highest among the groups gnomAD compares: South Asian, 4.7%; 8 homozygotes.

Submissions (2):

Illumina Laboratory Services, Illumina
Classification: Benign for Chondrocalcinosis 2. Last evaluated: 2018-01-13. Review status: criteria provided, single submitter. Criteria: ICSL Variant Classification Criteria 13 December 2019. Collection method: clinical testing. Allele origin: germline.
Comment: This variant was observed in the ICSL laboratory as part of a predisposition screen in an ostensibly healthy population. It had not been previously curated by ICSL or reported in the Human Gene Mutation Database (HGMD: prior to June 1st, 2018), and was therefore a candidate for classification through an automated scoring system. Utilizing variant allele frequency, disease prevalence and penetrance estimates, and inheritance mode, an automated score was calculated to assess if this variant is too frequent to cause the disease. Based on the score and internal cut-off values, a variant classified as benign is not then subjected to further curation. The score for this variant resulted in a classification of benign for this disease.

Illumina Laboratory Services, Illumina
Classification: Benign for Craniometaphyseal dysplasia, autosomal dominant. Last evaluated: 2018-01-13. Review status: criteria provided, single submitter. Criteria: ICSL Variant Classification Criteria 13 December 2019. Collection method: clinical testing. Allele origin: germline.
Comment: the same text as in the submission from Illumina Laboratory Services, Illumina above.